The following is an entry in ClinVar:

ClinVar aggregate classification (germline): Uncertain significance (1 of 4 stars; one submission).

gnomAD v4.1: 3 of 1,613,792 alleles (0.00019%); highest among the groups gnomAD compares: Non-Finnish European, 0.00025%; no homozygotes.

Submission:

GeneDx
Classification: Uncertain significance. Last evaluated: 2026-01-14. Review status: criteria provided, single submitter. Criteria: GeneDx Variant Classification Process June 2021. Collection method: clinical testing. Allele origin: germline.
Comment: Not observed at significant frequency in large population cohorts (gnomAD); In silico analysis supports that this missense variant has a deleterious effect on protein structure/function; Has not been previously published as pathogenic or benign to our knowledge

NM_017563.5(IL17RD):c.1382T>C (p.Leu461Pro)

Genes: IL17RD (interleukin 17 receptor D; minus strand), LOC126806689 (BRD4-independent group 4 enhancer GRCh37_chr3:57131244-57132443; plus strand). Cytogenetic location: 3p14.3.
Variant type: single nucleotide variant.
Coding change: c.1382T>C on transcript NM_017563.5 (MANE Select); coding-DNA position 1382, T replaced by C.
Protein change: p.Leu461Pro; replaces leucine 461 with proline.
Molecular consequence: missense variant.
Genome position (GRCh38, 1-based): chr3:57,098,321, A>G on the plus strand (T>C on the coding strand, the complement: IL17RD is on the minus strand). VCF-style: chr3-57098321-A-G. GRCh37 (hg19) VCF-style: chr3-57132349-A-G.
Other names: c.950T>C, p.Leu317Pro (NM_001318864.2); short protein forms L317P, L461P.
Identifiers: ClinVar variation 3359887 (VCV003359887.2).